The following is an entry in ClinVar:

NM_012193.4(FZD4):c.*128G>A

Genes: PRSS23 (serine protease 23; plus strand), FZD4 (frizzled class receptor 4; minus strand). Cytogenetic location: 11q14.2.
Variant type: single nucleotide variant.
Coding change: c.*128G>A on transcript NM_012193.4 (MANE Select); 128 bases downstream of the stop codon, G replaced by A.
Molecular consequence: 3 prime UTR variant.
Genome position (GRCh38, 1-based): chr11:86,951,014, C>T on the plus strand (G>A on the coding strand, the complement: FZD4 is on the minus strand). VCF-style: chr11-86951014-C-T. GRCh37 (hg19) VCF-style: chr11-86662056-C-T.
Identifiers: ClinVar variation 880746 (VCV000880746.4), dbSNP rs530994733, ClinGen allele CA225379986.
Genomic context (GRCh38, chr11:86,951,014, plus strand): 5'-GTCTGCAGCAAAATCATTGGTTTTTTGATGCTGGGGTCGGGGTGGGAGGCAGTGGGTTGA[C>T]GGGGGTCACTTAATTGTTGCTAGTTTGTTCAAACTGAGATTCACTGCATAAAACTTTTAG-3'

ClinVar aggregate classification (germline): Benign (1 of 4 stars; one submission).

Conditions:
Exudative vitreoretinopathy 1 (EVR1). Also called: FEVR, AUTOSOMAL DOMINANT; Familial exudative vitreoretinopathy, autosomal dominant; CRISWICK-SCHEPENS SYNDROME. Identifiers: Orphanet 891, Orphanet 90050, MedGen C1851402, MONDO:0007589, OMIM 133780.

Allele frequency attached by ClinVar (database versions not stated): gnomAD 0.00001 and 0.00007; TOPMed 0.00004; gnomAD exomes 0.00023; 1000 Genomes Project 0.00060; 1000 Genomes Project 30x 0.00062.
gnomAD v4.1: 213 of 1,005,416 alleles (0.021%); highest among the groups gnomAD compares: South Asian, 0.21%; 3 homozygotes.

Submission:

Illumina Laboratory Services, Illumina
Classification: Benign for Exudative vitreoretinopathy 1. Last evaluated: 2018-01-13. Review status: criteria provided, single submitter. Criteria: ICSL Variant Classification Criteria 13 December 2019. Collection method: clinical testing. Allele origin: germline.
Comment: This variant was observed in the ICSL laboratory as part of a predisposition screen in an ostensibly healthy population. It had not been previously curated by ICSL or reported in the Human Gene Mutation Database (HGMD: prior to June 1st, 2018), and was therefore a candidate for classification through an automated scoring system. Utilizing variant allele frequency, disease prevalence and penetrance estimates, and inheritance mode, an automated score was calculated to assess if this variant is too frequent to cause the disease. Based on the score and internal cut-off values, a variant classified as benign is not then subjected to further curation. The score for this variant resulted in a classification of benign for this disease.